The following is an entry in ClinVar:

ClinVar aggregate classification (germline): Likely benign. Review status: criteria provided, multiple submitters, no conflicts (2 of 4 stars). 2 submissions from 2 submitters: Likely benign (2). Last evaluated 2018-06-16.

Allele frequency attached by ClinVar (database versions not stated): gnomAD 0.03257 and 0.03314; 1000 Genomes Project 30x 0.03326; TOPMed 0.03426; 1000 Genomes Project 0.03494.
gnomAD v4.1: 4,933 of 152,228 alleles (3.2%); highest among the groups gnomAD compares: Middle Eastern, 5.1%; 84 homozygotes.

Submissions (2):

GeneDx
Classification: Likely benign. Last evaluated: 2018-06-16. Review status: criteria provided, single submitter. Criteria: GeneDx Variant Classification (06012015). Collection method: clinical testing. Allele origin: germline. Affected: yes.
Comment: This variant is considered likely benign or benign based on one or more of the following criteria: it is a conservative change, it occurs at a poorly conserved position in the protein, it is predicted to be benign by multiple in silico algorithms, and/or has population frequency not consistent with disease.

Breakthrough Genomics
Classification: Likely benign. Review status: criteria provided, single submitter. Criteria: ACMG Guidelines, 2015. Collection method: not provided. Allele origin: germline. Inheritance: Autosomal recessive inheritance. Affected: yes.

NM_001256545.2(MEGF10):c.2981-165G>A

Gene: MEGF10 (multiple EGF like domains 10; plus strand). Cytogenetic location: 5q23.2.
Variant type: single nucleotide variant.
Coding change: c.2981-165G>A on transcript NM_001256545.2 (MANE Select); 165 bases into the intron before coding-DNA position 2981, G replaced by A.
Molecular consequence: intron variant.
Genome position (GRCh38, 1-based): chr5:127,454,401, G>A. VCF-style: chr5-127454401-G-A. GRCh37 (hg19) VCF-style: chr5-126790093-G-A.
Other names: c.2981-165G>A (NM_032446.3).
Identifiers: ClinVar variation 672936 (VCV000672936.2), dbSNP rs41298322, ClinGen allele CA126951242.